The following is an entry in ClinVar:

NM_000552.5(VWF):c.5673C>G (p.Asp1891Glu)

Gene: VWF (von Willebrand factor; minus strand). Cytogenetic location: 12p13.31.
Variant type: single nucleotide variant.
Coding change: c.5673C>G on transcript NM_000552.5 (MANE Select); coding-DNA position 5673, C replaced by G.
Protein change: p.Asp1891Glu; replaces aspartic acid 1891 with glutamic acid.
Molecular consequence: missense variant.
Genome position (GRCh38, 1-based): chr12:6,011,786, G>C on the plus strand (C>G on the coding strand, the complement: VWF is on the minus strand). VCF-style: chr12-6011786-G-C. GRCh37 (hg19) VCF-style: chr12-6120952-G-C.
Other names: c.5673C>G (NM_000552.4); short protein forms D1891E.
Identifiers: ClinVar variation 1306044 (VCV001306044.6), dbSNP rs369450995, ClinGen allele CA6402182.

ClinVar aggregate classification (germline): Uncertain significance. Review status: criteria provided, multiple submitters, no conflicts (2 of 4 stars). 4 submissions from 4 submitters: Uncertain significance (4). Last evaluated 2026-08-04.

Conditions:
VWF-related disorder. Also called: VWF-related condition; VWF-related disorders.
Inborn genetic diseases. Identifiers: MedGen C0950123, MeSH D030342.
von Willebrand disease type 1 (VWD1). Also called: VWD, TYPE 1; VON WILLEBRAND DISEASE, TYPE I. Identifiers: Orphanet 166078, Orphanet 903, MedGen C1264039, MONDO:0008668, OMIM 193400. Inheritance: autosomal recessive or autosomal dominant.
von Willebrand disease type 3 (VWD3). Also called: Type 3 Von Willebrand's disease; Type 3 VWD; Von Willebrand disease, severe form; V WD3; VON WILLEBRAND DISEASE, TYPE III. Identifiers: Orphanet 166096, MedGen C1264041, MONDO:0010191, OMIM 277480.
von Willebrand disease type 2 (VWD2). Also called: VWD, TYPE 2; VON WILLEBRAND DISEASE, TYPE 2A/IIE; VON WILLEBRAND DISEASE, TYPE 2CB; VON WILLEBRAND DISEASE, TYPE II. Identifiers: Orphanet 166081, Orphanet 903, MedGen C1264040, MONDO:0013304, OMIM 613554.

gnomAD v4.1: 152 of 1,609,476 alleles (0.0094%); highest among the groups gnomAD compares: Non-Finnish European, 0.012%; no homozygotes.

Submissions (4):

PreventionGenetics, part of Exact Sciences
Classification: Uncertain significance for VWF-related condition. Last evaluated: 2026-08-04. Review status: criteria provided, single submitter. Criteria: ACMG Guidelines, 2015. Collection method: clinical testing. Allele origin: germline.
Comment: The VWF c.5673C>G variant is predicted to result in the amino acid substitution p.Asp1891Glu. To our knowledge, this variant has not been reported in the literature. This variant is reported in 0.0091% of alleles in individuals of European (Non-Finnish) descent in gnomAD. At this time, the clinical significance of this variant is uncertain due to the absence of conclusive functional and genetic evidence.

Ambry Genetics
Classification: Uncertain significance for Inborn genetic diseases. Last evaluated: 2023-12-14. Review status: criteria provided, single submitter. Criteria: Ambry Variant Classification Scheme 2023. Collection method: clinical testing. Allele origin: germline.

GeneDx
Classification: Uncertain significance. Last evaluated: 2022-08-12. Review status: criteria provided, single submitter. Criteria: GeneDx Variant Classification Process June 2021. Collection method: clinical testing. Allele origin: germline. Affected: yes.
Comment: In silico analysis, which includes protein predictors and evolutionary conservation, supports that this variant does not alter protein structure/function; Has not been previously published as pathogenic or benign to our knowledge

Fulgent Genetics
Classification: Uncertain significance for von Willebrand disease type 1; von Willebrand disease type 3; von Willebrand disease type 2. Last evaluated: 2021-11-25. Review status: criteria provided, single submitter. Criteria: ACMG Guidelines, 2015. Collection method: clinical testing. Allele origin: unknown.